The following is an entry in ClinVar:

NM_000257.4(MYH7):c.268A>G (p.Met90Val)

Gene: MYH7 (myosin heavy chain 7; minus strand). Cytogenetic location: 14q11.2.
Variant type: single nucleotide variant.
Coding change: c.268A>G on transcript NM_000257.4 (MANE Select); coding-DNA position 268, A replaced by G.
Protein change: p.Met90Val; replaces methionine 90 with valine.
Molecular consequence: missense variant.
Genome position (GRCh38, 1-based): chr14:23,433,161, T>C on the plus strand (A>G on the coding strand, the complement: MYH7 is on the minus strand). VCF-style: chr14-23433161-T-C. GRCh37 (hg19) VCF-style: chr14-23902370-T-C.
Other names: short protein forms M90V.
Identifiers: ClinVar variation 1516996 (VCV001516996.10), dbSNP rs769054108, ClinGen allele CA034054.

ClinVar aggregate classification (germline): Uncertain significance. Review status: criteria provided, multiple submitters, no conflicts (2 of 4 stars). 3 submissions from 3 submitters: Uncertain significance (3). Last evaluated 2024-04-08.

Conditions:
Cardiovascular phenotype. Identifiers: MedGen CN230736.
Hypertrophic cardiomyopathy 1 (CMH1). Also called: MYH7-Related Familial Hypertrophic Cardiomyopathy; Familial hypertrophic cardiomyopathy 1. Identifiers: MedGen C3495498, MONDO:0008647, OMIM 192600.
Myopathy, myosin storage, autosomal recessive (CMYO7B). Also called: CONGENITAL MYOPATHY 7B, MYOSIN STORAGE, AUTOSOMAL RECESSIVE. Identifiers: Orphanet 636970, MedGen C1850709, MONDO:0009708, OMIM 255160.
MYH7-related skeletal myopathy. Also called: Myopathy, distal, 1; MYOPATHY, DISTAL, EARLY-ONSET, AUTOSOMAL DOMINANT; MYOPATHY, LATE DISTAL HEREDITARY; Laing early-onset distal myopathy; Laing distal myopathy. Identifiers: Orphanet 59135, MedGen C4552004, MONDO:0008050, OMIM 160500.
Myosin storage myopathy (CMYO7A). Also called: MYH7-related late-onset scapuloperoneal muscular dystrophy; Congenital myopathy 7A, myosin storage, autosomal dominant; MYOPATHY WITH LYSIS OF TYPE I MYOFIBRILS; MYOPATHY, HYALINE BODY, AUTOSOMAL DOMINANT; Scapuloperoneal myopathy, MYH7-related; SCAPULOPERONEAL MUSCULAR DYSTROPHY. Identifiers: Orphanet 437572, Orphanet 636965, MedGen C1842160, MONDO:0008409, OMIM 608358.
Congenital myopathy with fiber type disproportion. Also called: Congenital fiber-type disproportion; Congenital fiber-type disproportion myopathy. Identifiers: Orphanet 2020, MedGen C0546264, MONDO:0009711. Inheritance: all.
Dilated cardiomyopathy 1S (CMD1S). Identifiers: Orphanet 154, Orphanet 54260, MedGen C1834481, MONDO:0013262, OMIM 613426.
Hypertrophic cardiomyopathy. Also called: HYPERTROPHIC MYOCARDIOPATHY. Identifiers: Orphanet 217569, MedGen C0007194, MeSH D002312, MONDO:0005045, HP:0001639.

Allele frequency attached by ClinVar (database versions not stated): gnomAD exomes 0.00001; ExAC 0.00002.
gnomAD v4.1: 14 of 1,614,140 alleles (0.00087%); highest among the groups gnomAD compares: Non-Finnish European, 0.0012%; no homozygotes.

Submissions (3):

Ambry Genetics
Classification: Uncertain significance for Cardiovascular phenotype. Last evaluated: 2024-04-08. Review status: criteria provided, single submitter. Criteria: Ambry Variant Classification Scheme 2023. Collection method: clinical testing. Allele origin: germline.
Comment: The p.M90V variant (also known as c.268A>G), located in coding exon 2 of the MYH7 gene, results from an A to G substitution at nucleotide position 268. The methionine at codon 90 is replaced by valine, an amino acid with highly similar properties. This alteration has been reported in a hypertrophic cardiomyopathy (HCM) cohort; however, clinical details were limited (Harper AR et al. Nat Genet, 2021 Feb;53:135-142). This amino acid position is highly conserved in available vertebrate species. In addition, this alteration is predicted to be deleterious by in silico analysis. Based on the available evidence, the clinical significance of this variant remains unclear.

Labcorp Genetics (formerly Invitae), Labcorp
Classification: Uncertain significance for Hypertrophic cardiomyopathy. Last evaluated: 2023-08-10. Review status: criteria provided, single submitter. Criteria: Invitae Variant Classification Sherloc (09022015). Collection method: clinical testing. Allele origin: germline.
Comment: This variant has not been reported in the literature in individuals affected with MYH7-related conditions. This sequence change replaces methionine, which is neutral and non-polar, with valine, which is neutral and non-polar, at codon 90 of the MYH7 protein (p.Met90Val). This variant is present in population databases (rs769054108, gnomAD 0.002%). ClinVar contains an entry for this variant (Variation ID: 1516996). Advanced modeling of protein sequence and biophysical properties (such as structural, functional, and spatial information, amino acid conservation, physicochemical variation, residue mobility, and thermodynamic stability) performed at Invitae indicates that this missense variant is expected to disrupt MYH7 protein function. In summary, the available evidence is currently insufficient to determine the role of this variant in disease. Therefore, it has been classified as a Variant of Uncertain Significance.

Fulgent Genetics
Classification: Uncertain significance for MYH7-related skeletal myopathy; Myosin storage myopathy; Hypertrophic cardiomyopathy 1; Myopathy, myosin storage, autosomal recessive; Congenital myopathy 4A, autosomal dominant; Dilated cardiomyopathy 1S. Last evaluated: 2021-07-07. Review status: criteria provided, single submitter. Criteria: ACMG Guidelines, 2015. Collection method: clinical testing. Allele origin: unknown.

Literature cited by the submitters: PubMed 33495597 (cited by Ambry Genetics).